The following is an entry in ClinVar:

ClinVar aggregate classification (germline): Uncertain significance (1 of 4 stars; one submission).

Conditions:
Hereditary cancer-predisposing syndrome. Also called: Neoplastic Syndromes, Hereditary; Tumor predisposition; Hereditary neoplastic syndrome; Hereditary Cancer Syndrome. Identifiers: Orphanet 140162, MedGen C0027672, MeSH D009386, MONDO:0015356.

Submission:

Ambry Genetics
Classification: Uncertain significance for Hereditary cancer-predisposing syndrome. Last evaluated: 2026-08-13. Review status: criteria provided, single submitter. Criteria: Ambry Variant Classification Scheme 2023. Collection method: clinical testing. Allele origin: germline.
Comment: The p.G1443D variant (also known as c.4328G>A), located in coding exon 33 of the TSC2 gene, results from a G to A substitution at nucleotide position 4328. The glycine at codon 1443 is replaced by aspartic acid, an amino acid with similar properties. This amino acid position is conserved. In addition, the in silico prediction for this alteration is inconclusive. Based on the available evidence, the clinical significance of this variant remains unclear.

NM_000548.5(TSC2):c.4328G>A (p.Gly1443Asp)

Gene: TSC2 (TSC complex subunit 2; plus strand). Cytogenetic location: 16p13.3.
Variant type: single nucleotide variant.
Coding change: c.4328G>A on transcript NM_000548.5 (MANE Select); coding-DNA position 4328, G replaced by A.
Protein change: p.Gly1443Asp; replaces glycine 1443 with aspartic acid.
Molecular consequence: missense variant. On other transcripts: non-coding transcript variant (5).
Genome position (GRCh38, 1-based): chr16:2,084,550, G>A. VCF-style: chr16-2084550-G-A. GRCh37 (hg19) VCF-style: chr16-2134551-G-A.
Other names: c.4127G>A, p.Gly1376Asp (NM_001077183.3); c.4259G>A, p.Gly1420Asp (NM_001114382.3); c.4019G>A, p.Gly1340Asp (NM_001318827.2); c.3983G>A, p.Gly1328Asp (NM_001318829.2); c.3596G>A, p.Gly1199Asp (NM_001318831.2); c.4160G>A, p.Gly1387Asp (NM_001318832.2); c.4130G>A, p.Gly1377Asp (NM_001363528.2); c.4196G>A, p.Gly1399Asp (NM_001370404.1); and 26 more; short protein forms G929D, G972D, G1220D, G1243D, G1339D, G1357D, G1419D, G842D.
Identifiers: ClinVar variation 5031382 (VCV005031382.1).